The following is an entry in ClinVar:

ClinVar aggregate classification (germline): Uncertain significance. Review status: criteria provided, multiple submitters, no conflicts (2 of 4 stars). 3 submissions from 3 submitters: Uncertain significance (2). 1 of the submissions does not count toward it. Last evaluated 2025-10-09.

Conditions:
Hereditary cancer-predisposing syndrome. Also called: Hereditary Cancer Syndrome; Neoplastic Syndromes, Hereditary; Tumor predisposition; Hereditary neoplastic syndrome. Identifiers: Orphanet 140162, MedGen C0027672, MeSH D009386, MONDO:0015356.
Ataxia-telangiectasia syndrome (AT). Also called: Ataxia-telangiectasia, complementation group D; AT, COMPLEMENTATION GROUP C; ATAXIA-TELANGIECTASIA, COMPLEMENTATION GROUP A; ATAXIA-TELANGIECTASIA, FRESNO VARIANT; Ataxia-telangiectasia; LOUIS-BAR SYNDROME. Identifiers: Orphanet 100, MedGen C0004135, MONDO:0008840, OMIM 208900.

Allele frequency attached by ClinVar (database versions not stated): TOPMed below 0.00001.

Submissions (3):

Labcorp Genetics (formerly Invitae), Labcorp
Classification: Uncertain significance for Ataxia-telangiectasia syndrome. Last evaluated: 2025-10-09. Review status: criteria provided, single submitter. Criteria: Invitae Variant Classification Sherloc (09022015). Collection method: clinical testing. Allele origin: germline.
Comment: This sequence change replaces serine, which is neutral and polar, with glycine, which is neutral and non-polar, at codon 381 of the ATM protein (p.Ser381Gly). This variant is not present in population databases (gnomAD no frequency). This variant has not been reported in the literature in individuals affected with ATM-related conditions. ClinVar contains an entry for this variant (Variation ID: 187270). Invitae Evidence Modeling of protein sequence and biophysical properties (such as structural, functional, and spatial information, amino acid conservation, physicochemical variation, residue mobility, and thermodynamic stability) indicates that this missense variant is not expected to disrupt ATM protein function with a negative predictive value of 95%. In summary, the available evidence is currently insufficient to determine the role of this variant in disease. Therefore, it has been classified as a Variant of Uncertain Significance.

Ambry Genetics
Classification: Uncertain significance for Hereditary cancer-predisposing syndrome. Last evaluated: 2024-04-01. Review status: criteria provided, single submitter. Criteria: Ambry Variant Classification Scheme 2023. Collection method: clinical testing. Allele origin: germline.
Comment: The p.S381G variant (also known as c.1141A>G), located in coding exon 8 of the ATM gene, results from an A to G substitution at nucleotide position 1141. The serine at codon 381 is replaced by glycine, an amino acid with similar properties. This amino acid position is not well conserved in available vertebrate species. In addition, this alteration is predicted to be tolerated by in silico analysis. Since supporting evidence is limited at this time, the clinical significance of this alteration remains unclear.

Natera, Inc.
Classification: Uncertain significance for Ataxia-telangiectasia. Last evaluated: 2025-03-20. Review status: no assertion criteria provided. Collection method: clinical testing. Allele origin: germline. Not counted in ClinVar's aggregate classification.

NM_000051.4(ATM):c.1141A>G (p.Ser381Gly)

Gene: ATM (ATM serine/threonine kinase; plus strand). Cytogenetic location: 11q22.3.
Variant type: single nucleotide variant.
Coding change: c.1141A>G on transcript NM_000051.4 (MANE Select); coding-DNA position 1141, A replaced by G.
Protein change: p.Ser381Gly; replaces serine 381 with glycine.
Molecular consequence: missense variant.
Genome position (GRCh38, 1-based): chr11:108,249,008, A>G. VCF-style: chr11-108249008-A-G. GRCh37 (hg19) VCF-style: chr11-108119735-A-G.
Other names: c.1141A>G, p.Ser381Gly (NM_001351834.2); short protein forms S381G.
Identifiers: ClinVar variation 187270 (VCV000187270.17), dbSNP rs786203602, ClinGen allele CA197197.